The following is an entry in ClinVar:

NM_032578.4(MYPN):c.3380G>T (p.Gly1127Val)

Gene: MYPN (myopalladin; plus strand). Cytogenetic location: 10q21.3.
Variant type: single nucleotide variant.
Coding change: c.3380G>T on transcript NM_032578.4 (MANE Select); coding-DNA position 3380, G replaced by T.
Protein change: p.Gly1127Val; replaces glycine 1127 with valine.
Molecular consequence: missense variant. On other transcripts: non-coding transcript variant (2).
Genome position (GRCh38, 1-based): chr10:68,199,462, G>T. VCF-style: chr10-68199462-G-T. GRCh37 (hg19) VCF-style: chr10-69959219-G-T.
Other names: c.3380G>T, p.Gly1127Val (NM_001256267.2); c.2498G>T, p.Gly833Val (NM_001256268.2); short protein forms G1127V, G833V.
Identifiers: ClinVar variation 2430371 (VCV002430371.2), dbSNP rs2495966362, ClinGen allele CA376859182.
Genomic context (GRCh38, chr10:68,199,462, plus strand): 5'-TACTCAATGGCCAACCTGTGCTACCAGATGCCTCCCACAAGATGCTGGTCAGGGAGACCG[G>T]AGTCCACTCTCTGCTCATTGACCCACTCACTCAGCGCGACGCAGGGACCTATAAGTGCAT-3'
Protein context (NP_115967.2, residues 1117-1137): ASHKMLVRET[Gly1127Val]VHSLLIDPLT

ClinVar aggregate classification (germline): Uncertain significance. Review status: criteria provided, multiple submitters, no conflicts (2 of 4 stars). 2 submissions from 2 submitters: Uncertain significance (2).

Conditions:
MYPN-related myopathy (CMYO24). Also called: Nemaline myopathy 11, autosomal recessive. Identifiers: MedGen C4479186, MONDO:0015023, OMIM 617336.

Submissions (2):

Kasturba Medical College, Manipal, Kasturba Medical College, Manipal, Manipal Academy of Higher Education, Manipal, India
Classification: Uncertain significance for MYPN-related myopathy. Review status: criteria provided, single submitter. Criteria: ACMG Guidelines, 2015. Collection method: clinical testing. Allele origin: unknown. Affected: yes.

Neuberg Centre For Genomic Medicine, NCGM
Classification: Uncertain significance for MYPN-related myopathy. Review status: criteria provided, single submitter. Criteria: ACMG Guidelines, 2015. Collection method: clinical testing. Allele origin: germline. Inheritance: Autosomal recessive inheritance. Affected: yes.
Comment: The missense variant c.3380G>T (p.Gly1127Val) in MYPN gene has not been reported previously as a pathogenic variant nor as a benign variant, to our knowledge. The p.Thr292Arg variant is novel (not in any individuals) in gnomAD exomes and 1000 Genomes. This variant has not been reported to the ClinVar database. The amino acid Gly at position 1127 is changed to a Val changing protein sequence and it might alter its composition and physico-chemical properties. The amino acid change p.Gly1127Val in MYPN is predicted as conserved by GERP++ and PhyloP across 100 vertebrates. For these reasons, this variant has been classified as Uncertain Significance (VUS).

Literature cited by the submitters: DOI 10.1016/j.ajhg.2016.11.017 (cited by Kasturba Medical College, Manipal, Kasturba Medical College, Manipal, Manipal Academy of Higher Education, Manipal, India).